The following is an entry in ClinVar:

ClinVar aggregate classification (germline): Uncertain significance. Review status: criteria provided, multiple submitters, no conflicts (2 of 4 stars). 2 submissions from 2 submitters: Uncertain significance (2). Last evaluated 2024-08-01.

Conditions:
Familial adenomatous polyposis 1 (FAP1). Also called: FAMILIAL ADENOMATOUS POLYPOSIS 1, ATTENUATED; POLYPOSIS, ADENOMATOUS INTESTINAL. Identifiers: MedGen C2713442, MONDO:0021056, OMIM 175100. Disease mechanism: loss of function.
Hereditary cancer-predisposing syndrome. Also called: Neoplastic Syndromes, Hereditary; Hereditary Cancer Syndrome; Hereditary neoplastic syndrome; Tumor predisposition. Identifiers: Orphanet 140162, MedGen C0027672, MeSH D009386, MONDO:0015356.

Submissions (2):

Ambry Genetics
Classification: Uncertain significance for Hereditary cancer-predisposing syndrome. Last evaluated: 2024-08-01. Review status: criteria provided, single submitter. Criteria: Ambry Variant Classification Scheme 2023. Collection method: clinical testing. Allele origin: germline.
Comment: The p.D962H variant (also known as c.2884G>C), located in coding exon 15 of the APC gene, results from a G to C substitution at nucleotide position 2884. The aspartic acid at codon 962 is replaced by histidine, an amino acid with similar properties. This amino acid position is highly conserved in available vertebrate species. In addition, in silico predictors for this gene do not accurately predict pathogenicity. Missense alterations in APC are not a common cause of disease (Spier I et al. Genet Med. 2024 Feb;26(2):100992). Based on the available evidence, the clinical significance of this variant remains unclear.

Labcorp Genetics (formerly Invitae), Labcorp
Classification: Uncertain significance for Familial adenomatous polyposis 1. Last evaluated: 2021-07-16. Review status: criteria provided, single submitter. Criteria: Invitae Variant Classification Sherloc (09022015). Collection method: clinical testing. Allele origin: germline.
Comment: This variant is not present in population databases (ExAC no frequency). In summary, the available evidence is currently insufficient to determine the role of this variant in disease. Therefore, it has been classified as a Variant of Uncertain Significance. Algorithms developed to predict the effect of missense changes on protein structure and function (SIFT, PolyPhen-2, Align-GVGD) all suggest that this variant is likely to be disruptive, but these predictions have not been confirmed by published functional studies and their clinical significance is uncertain. This variant has not been reported in the literature in individuals with APC-related conditions. This sequence change replaces aspartic acid with histidine at codon 962 of the APC protein (p.Asp962His). The aspartic acid residue is highly conserved and there is a moderate physicochemical difference between aspartic acid and histidine.

NM_000038.6(APC):c.2884G>C (p.Asp962His)

Gene: APC (APC regulator of Wnt signaling pathway; plus strand). Cytogenetic location: 5q22.2.
Variant type: single nucleotide variant.
Coding change: c.2884G>C on transcript NM_000038.6 (MANE Select); coding-DNA position 2884, G replaced by C.
Protein change: p.Asp962His; replaces aspartic acid 962 with histidine.
Molecular consequence: missense variant.
Genome position (GRCh38, 1-based): chr5:112,838,478, G>C. VCF-style: chr5-112838478-G-C. GRCh37 (hg19) VCF-style: chr5-112174175-G-C.
Other names: c.2884G>C (NM_000038.5); c.2884G>C, p.Asp962His (NM_001127510.3, NM_001354895.2); c.2830G>C, p.Asp944His (NM_001127511.3); c.2938G>C, p.Asp980His (NM_001354896.2); c.2914G>C, p.Asp972His (NM_001354897.2); c.2809G>C, p.Asp937His (NM_001354898.2); c.2800G>C, p.Asp934His (NM_001354899.2); c.2761G>C, p.Asp921His (NM_001354900.2); and 6 more; short protein forms D921H, D962H, D836H, D934H, D937H, D980H, D871H, D679H.
Identifiers: ClinVar variation 1440176 (VCV001440176.9), dbSNP rs1554084565, ClinGen allele CA16027623.
Genomic context (GRCh38, chr5:112,838,478, plus strand): 5'-AATTCAAATAGGACATGTTCTATGCCTTATGCCAAATTAGAATACAAGAGATCTTCAAAT[G>C]ATAGTTTAAATAGTGTCAGTAGTAGTGATGGTTATGGTAAAAGAGGTCAAATGAAACCCT-3'
Protein context (NP_000029.2, residues 952-972): AKLEYKRSSN[Asp962His]SLNSVSSSDG